The following is an entry in ClinVar:

ClinVar aggregate classification (germline): Uncertain significance (1 of 4 stars; one submission).

Conditions:
Autosomal recessive limb-girdle muscular dystrophy type 2P. Also called: Limb-Girdle Muscular Dystrophy Type 9C; MUSCULAR DYSTROPHY, LIMB-GIRDLE, TYPE 2P; MUSCULAR DYSTROPHY-DYSTROGLYCANOPATHY, LIMB-GIRDLE, DAG1-RELATED. Identifiers: Orphanet 280333, MedGen C4511963, MONDO:0013440, OMIM 613818.
Muscular dystrophy-dystroglycanopathy (congenital with brain and eye anomalies), type A9. Also called: Muscular dystrophy-dystroglycanopathy (congenital with brain and eye anomalies), type a, 9; WALKER-WARBURG SYNDROME OR MUSCLE-EYE BRAIN DISEASE, DAG1-RELATED. Identifiers: Orphanet 370997, Orphanet 899, MedGen C4225291, MONDO:0014683, OMIM 616538.

Submission:

Labcorp Genetics (formerly Invitae), Labcorp
Classification: Uncertain significance for Autosomal recessive limb-girdle muscular dystrophy type 2P; Muscular dystrophy-dystroglycanopathy (congenital with brain and eye anomalies), type A9. Last evaluated: 2022-02-03. Review status: criteria provided, single submitter. Criteria: Invitae Variant Classification Sherloc (09022015). Collection method: clinical testing. Allele origin: germline.
Comment: In summary, the available evidence is currently insufficient to determine the role of this variant in disease. Therefore, it has been classified as a Variant of Uncertain Significance. Algorithms developed to predict the effect of missense changes on protein structure and function are either unavailable or do not agree on the potential impact of this missense change (SIFT: "Deleterious"; PolyPhen-2: "Benign"; Align-GVGD: "Class C0"). This variant has not been reported in the literature in individuals affected with DAG1-related conditions. This variant is not present in population databases (gnomAD no frequency). This sequence change replaces threonine, which is neutral and polar, with proline, which is neutral and non-polar, at codon 706 of the DAG1 protein (p.Thr706Pro).

NM_004393.6(DAG1):c.2116A>C (p.Thr706Pro)

Gene: DAG1 (dystroglycan 1; plus strand). Cytogenetic location: 3p21.31.
Variant type: single nucleotide variant.
Coding change: c.2116A>C on transcript NM_004393.6 (MANE Select); coding-DNA position 2116, A replaced by C.
Protein change: p.Thr706Pro; replaces threonine 706 with proline.
Molecular consequence: missense variant.
Genome position (GRCh38, 1-based): chr3:49,532,627, A>C. VCF-style: chr3-49532627-A-C. GRCh37 (hg19) VCF-style: chr3-49570060-A-C.
Other names: c.2116A>C, p.Thr706Pro (NM_001177643.3, NM_001177644.3, NM_001165928.4 and 9 more transcripts); short protein forms T706P.
Identifiers: ClinVar variation 1392131 (VCV001392131.8), dbSNP rs138386617, ClinGen allele CA352796844.